The following is an entry in ClinVar:

ClinVar aggregate classification (germline): Uncertain significance. Review status: criteria provided, multiple submitters, no conflicts (2 of 4 stars). 2 submissions from 2 submitters: Uncertain significance (2). Last evaluated 2023-06-26.

Conditions:
STAT3 gain of function. Identifiers: MedGen C4288261.
Hyper-IgE recurrent infection syndrome 1, autosomal dominant. Also called: JOB SYNDROME; Job's Syndrome; HYPER-IgE SYNDROME 1, AUTOSOMAL DOMINANT, WITH RECURRENT INFECTIONS; STAT3 Hyper IgE Syndrome; Hyper-IgE recurrent infection syndrome 1. Identifiers: Orphanet 2314, MedGen C2936739, MONDO:0007818, OMIM 147060.

Allele frequency attached by ClinVar (database versions not stated): gnomAD 0.00001; gnomAD exomes 0.00001; TOPMed 0.00002.
gnomAD v4.1: 10 of 1,614,018 alleles (0.00062%); highest among the groups gnomAD compares: African/African-American, 0.0027%; no homozygotes.

Submissions (2):

GeneDx
Classification: Uncertain significance. Last evaluated: 2023-06-26. Review status: criteria provided, single submitter. Criteria: GeneDx Variant Classification Process June 2021. Collection method: clinical testing. Allele origin: germline. Affected: yes.
Comment: Not observed at significant frequency in large population cohorts (gnomAD); In silico analysis supports that this missense variant does not alter protein structure/function; Has not been previously published as pathogenic or benign to our knowledge

Labcorp Genetics (formerly Invitae), Labcorp
Classification: Uncertain significance for STAT3 gain of function; Hyper-IgE recurrent infection syndrome 1, autosomal dominant. Last evaluated: 2022-04-06. Review status: criteria provided, single submitter. Criteria: Invitae Variant Classification Sherloc (09022015). Collection method: clinical testing. Allele origin: germline.
Comment: In summary, the available evidence is currently insufficient to determine the role of this variant in disease. Therefore, it has been classified as a Variant of Uncertain Significance. Advanced modeling of protein sequence and biophysical properties (such as structural, functional, and spatial information, amino acid conservation, physicochemical variation, residue mobility, and thermodynamic stability) performed at Invitae indicates that this missense variant is not expected to disrupt STAT3 protein function. This variant has not been reported in the literature in individuals affected with STAT3-related conditions. This variant is not present in population databases (gnomAD no frequency). This sequence change replaces alanine, which is neutral and non-polar, with valine, which is neutral and non-polar, at codon 227 of the STAT3 protein (p.Ala227Val).

NM_139276.3(STAT3):c.680C>T (p.Ala227Val)

Genes: STAT3 (signal transducer and activator of transcription 3; minus strand), LOC130060888 (ATAC-STARR-seq lymphoblastoid active region 12197; plus strand). Cytogenetic location: 17q21.2.
Variant type: single nucleotide variant.
Coding change: c.680C>T on transcript NM_139276.3 (MANE Select); coding-DNA position 680, C replaced by T.
Protein change: p.Ala227Val; replaces alanine 227 with valine.
Molecular consequence: missense variant.
Genome position (GRCh38, 1-based): chr17:42,337,552, G>A on the plus strand (C>T on the coding strand, the complement: STAT3 is on the minus strand). VCF-style: chr17-42337552-G-A. GRCh37 (hg19) VCF-style: chr17-40489570-G-A.
Other names: c.680C>T, p.Ala227Val (NM_001369512.1, NM_001369513.1, NM_001369514.1 and 15 more transcripts); c.602C>T, p.Ala201Val (NM_001384985.1); c.584C>T, p.Ala195Val (NM_001384989.1); short protein forms A195V, A227V, A201V.
Identifiers: ClinVar variation 2189655 (VCV002189655.5), dbSNP rs1004741102, ClinGen allele CA290742846.